The following is an entry in ClinVar:

NM_007294.4(BRCA1):c.1284A>T (p.Lys428Asn)

Gene: BRCA1 (BRCA1 DNA repair associated; minus strand). Cytogenetic location: 17q21.31.
Variant type: single nucleotide variant.
Coding change: c.1284A>T on transcript NM_007294.4 (MANE Select); coding-DNA position 1284, A replaced by T.
Protein change: p.Lys428Asn; replaces lysine 428 with asparagine.
Molecular consequence: missense variant. On other transcripts: intron variant (137).
Genome position (GRCh38, 1-based): chr17:43,094,247, T>A on the plus strand (A>T on the coding strand, the complement: BRCA1 is on the minus strand). VCF-style: chr17-43094247-T-A. GRCh37 (hg19) VCF-style: chr17-41246264-T-A.
Other names: c.1284A>T, p.Lys428Asn (NM_001407617.1, NM_001407618.1, NM_001407619.1 and 30 more transcripts); c.787+497A>T (NM_001407974.1, NM_001407969.1, NM_001407968.1 and 19 more transcripts); c.577+497A>T (NM_001408492.1, NM_001408513.1, NM_001408489.1 and 9 more transcripts); c.643+497A>T (NM_001408468.1, NM_001408470.1, NM_001408464.1 and 3 more transcripts); c.523+497A>T (NM_001408501.1, NM_001408500.1, NM_001408497.1 and 3 more transcripts); c.646+497A>T (NM_001408455.1, NM_001408466.1, NM_001408452.1 and 11 more transcripts); c.520+497A>T (NM_001408503.1, NM_001408505.1, NM_001408504.1); c.404-3215A>T (NM_001408511.1); and 40 more; short protein forms K316N, K339N, K361N, K132N, K301N, K317N, K387N, K402N.
Identifiers: ClinVar variation 3634696 (VCV003634696.2).

ClinVar aggregate classification (germline): Uncertain significance (1 of 4 stars; one submission).

Conditions:
Hereditary breast ovarian cancer syndrome. Also called: Hereditary breast and ovarian cancer syndrome; Hereditary breast and ovarian cancer syndrome (HBOC); BRCA1- and BRCA2-Associated Hereditary Breast and Ovarian Cancer; Hereditary breast and ovarian cancer; Breast and ovarian cancer; Hereditary breast and/or ovarian cancer syndrome. Identifiers: Orphanet 145, MedGen C0677776, MeSH D061325, MONDO:0003582. Disease mechanism: loss of function.

Submission:

Labcorp Genetics (formerly Invitae), Labcorp
Classification: Uncertain significance for Hereditary breast ovarian cancer syndrome. Last evaluated: 2024-06-25. Review status: criteria provided, single submitter. Criteria: Invitae Variant Classification Sherloc (09022015). Collection method: clinical testing. Allele origin: germline.
Comment: This sequence change replaces lysine, which is basic and polar, with asparagine, which is neutral and polar, at codon 428 of the BRCA1 protein (p.Lys428Asn). This variant is not present in population databases (gnomAD no frequency). This variant has not been reported in the literature in individuals affected with BRCA1-related conditions. Advanced modeling of protein sequence and biophysical properties (such as structural, functional, and spatial information, amino acid conservation, physicochemical variation, residue mobility, and thermodynamic stability) performed at Invitae indicates that this missense variant is not expected to disrupt BRCA1 protein function with a negative predictive value of 95%. In summary, the available evidence is currently insufficient to determine the role of this variant in disease. Therefore, it has been classified as a Variant of Uncertain Significance.